The following is an entry in ClinVar:

NM_000321.3(RB1):c.233G>C (p.Trp78Ser)

Gene: RB1 (RB transcriptional corepressor 1; plus strand). Cytogenetic location: 13q14.2.
Variant type: single nucleotide variant.
Coding change: c.233G>C on transcript NM_000321.3 (MANE Select); coding-DNA position 233, G replaced by C.
Protein change: p.Trp78Ser; replaces tryptophan 78 with serine.
Molecular consequence: missense variant.
Genome position (GRCh38, 1-based): chr13:48,307,375, G>C. VCF-style: chr13-48307375-G-C. GRCh37 (hg19) VCF-style: chr13-48881511-G-C.
Other names: short protein forms W78S.
Identifiers: ClinVar variation 821124 (VCV000821124.4), dbSNP rs1593414417, ClinGen allele CA388250635.

ClinVar aggregate classification (germline): Uncertain significance (1 of 4 stars; one submission).

Conditions:
Hereditary cancer-predisposing syndrome. Also called: Neoplastic Syndromes, Hereditary; Tumor predisposition; Hereditary Cancer Syndrome; Hereditary neoplastic syndrome. Identifiers: Orphanet 140162, MedGen C0027672, MeSH D009386, MONDO:0015356.

Submission:

Ambry Genetics
Classification: Uncertain significance for Hereditary cancer-predisposing syndrome. Last evaluated: 2019-06-06. Review status: criteria provided, single submitter. Criteria: Ambry Variant Classification Scheme 2023. Collection method: clinical testing. Allele origin: germline.
Comment: The p.W78S variant (also known as c.233G>C), located in coding exon 2 of the RB1 gene, results from a G to C substitution at nucleotide position 233. The tryptophan at codon 78 is replaced by serine, an amino acid with highly dissimilar properties. This amino acid position is highly conserved in available vertebrate species. In addition, this alteration is predicted to be deleterious by in silico analysis. Since supporting evidence is limited at this time, the clinical significance of this alteration remains unclear.